The following is an entry in ClinVar:

NM_000138.5(FBN1):c.8038del (p.Arg2680fs)

Gene: FBN1 (fibrillin 1; minus strand). Cytogenetic location: 15q21.1.
Variant type: Deletion.
Coding change: c.8038del on transcript NM_000138.5 (MANE Select); coding-DNA position 8038, one base deleted (C; older notation c.8038delC).
Protein change: p.Arg2680fs; shifts the reading frame from arginine 2680.
Molecular consequence: frameshift variant.
Genome position (GRCh38, 1-based): chr15:48,415,549, G deleted on the plus strand (C on the coding strand, the reverse complement: FBN1 is on the minus strand); the first of 2 consecutive G bases (chr15:48,415,549-48,415,550); deleting either gives the same sequence. VCF-style (leftmost placement, unchanged base first): chr15-48415548-CG-C. GRCh37 (hg19) VCF-style: chr15-48707745-CG-C.
Other names: c.8038del, p.Arg2680fs (NM_001406716.1); short protein forms R2680fs.
Identifiers: ClinVar variation 4851278 (VCV004851278.1).

ClinVar aggregate classification (germline): Pathogenic (0 of 4 stars; one submission).

Conditions:
Dilated aortic root. Identifiers: MedGen C1842881.

Submission:

Clinical Genetics Laboratory, Skane University Hospital Lund
Classification: Pathogenic for Dilated aortic root. Last evaluated: 2026-05-21. Review status: no assertion criteria provided. Collection method: clinical testing. Allele origin: germline. Affected: yes.
Comment: Assessed according to the ClinGen FBN1 Expert Panel Specifications to the ACMG/AMP Variant Interpretation Guidelines Version 1. Applied criteria: PVS1, PS4_Supporting, PM2_Supporting